The following is an entry in ClinVar:

NM_181507.2(HPS5):c.1076G>A (p.Arg359His)

Gene: HPS5 (HPS5 biogenesis of lysosomal organelles complex 2 subunit 2; minus strand). Cytogenetic location: 11p15.1.
Variant type: single nucleotide variant.
Coding change: c.1076G>A on transcript NM_181507.2 (MANE Select); coding-DNA position 1076, G replaced by A.
Protein change: p.Arg359His; replaces arginine 359 with histidine.
Molecular consequence: missense variant.
Genome position (GRCh38, 1-based): chr11:18,298,880, C>T on the plus strand (G>A on the coding strand, the complement: HPS5 is on the minus strand). VCF-style: chr11-18298880-C-T. GRCh37 (hg19) VCF-style: chr11-18320427-C-T.
Other names: p.Arg359His; c.734G>A, p.Arg245His (NM_007216.4, NM_181508.2); short protein forms R359H, R245H.
Identifiers: ClinVar variation 303893 (VCV000303893.6), dbSNP rs774619545, ClinGen allele CA5910234.

ClinVar aggregate classification (germline): Uncertain significance. Review status: criteria provided, multiple submitters, no conflicts (2 of 4 stars). 3 submissions from 3 submitters: Uncertain significance (3). Last evaluated 2025-09-25.

Conditions:
Inborn genetic diseases. Identifiers: MedGen C0950123, MeSH D030342.
Hermansky-Pudlak syndrome 5 (HPS5). Identifiers: Orphanet 231512, Orphanet 79430, MedGen C3888004, MONDO:0013557, OMIM 614074.

Allele frequency attached by ClinVar (database versions not stated): gnomAD exomes 0.00002; ExAC 0.00003.
gnomAD v4.1: 31 of 1,614,028 alleles (0.0019%); highest among the groups gnomAD compares: Admixed American, 0.01%; no homozygotes.

Submissions (3):

Ambry Genetics
Classification: Uncertain significance for Inborn genetic diseases. Last evaluated: 2025-09-25. Review status: criteria provided, single submitter. Criteria: Ambry Variant Classification Scheme 2023. Collection method: clinical testing. Allele origin: germline.

Mayo Clinic Laboratories, Mayo Clinic
Classification: Uncertain significance. Last evaluated: 2025-09-15. Review status: criteria provided, single submitter. Criteria: ACMG Guidelines, 2015. Collection method: clinical testing. Allele origin: germline. Observed: 1 variant allele.
Comment: BP4, PM2_supporting

Illumina Laboratory Services, Illumina
Classification: Uncertain significance for Hermansky-Pudlak syndrome 5. Last evaluated: 2018-01-13. Review status: criteria provided, single submitter. Criteria: ICSL Variant Classification Criteria 13 December 2019. Collection method: clinical testing. Allele origin: germline.